The following is an entry in ClinVar:

NM_080680.3(COL11A2):c.2215-1G>A

Gene: COL11A2 (collagen type XI alpha 2 chain; minus strand). Cytogenetic location: 6p21.32.
Variant type: single nucleotide variant.
Coding change: c.2215-1G>A on transcript NM_080680.3 (MANE Select); the canonical splice acceptor site of the intron before coding-DNA position 2215, G replaced by A.
Molecular consequence: splice acceptor variant.
Genome position (GRCh38, 1-based): chr6:33,176,070, C>T on the plus strand (G>A on the coding strand, the complement: COL11A2 is on the minus strand). VCF-style: chr6-33176070-C-T. GRCh37 (hg19) VCF-style: chr6-33143847-C-T.
Other names: c.1189-1G>A (NM_001424111.1, NM_001424110.1); c.1894-1G>A (NM_080679.3); c.1957-1G>A (NM_080681.3); c.2035-1G>A (NM_001424108.1); c.1369-1G>A (NM_001424109.1); c.169-1G>A (NM_001424112.1).
Identifiers: ClinVar variation 4999960 (VCV004999960.1).
Genomic context (GRCh38, chr6:33,176,070, plus strand): 5'-ACTCACCCTGTCACCTTTCACGCCTATGTCACCTTTGAACCCAGGAAAGCCATCCTCACC[C>T]TGAGAAAGATAGAGGTGAGAGGGCACCACAGATGACAGAGGGCTGGGGTTCTAATGGGAA-3'

ClinVar aggregate classification (germline): Likely pathogenic (1 of 4 stars; one submission).

Conditions:
COL11A2-related disorder. Also called: COL11A2-related condition; COL11A2-related disorders.

Submission:

PreventionGenetics, part of Exact Sciences
Classification: Likely pathogenic for COL11A2-related condition. Last evaluated: 2026-05-06. Review status: criteria provided, single submitter. Criteria: ACMG Guidelines, 2015. Collection method: clinical testing. Allele origin: germline.
Comment: The COL11A2 c.2215-1G>A variant is predicted to disrupt the AG splice acceptor site and interfere with normal splicing. The impact of this variant on splicing and the codon frame (eg. in-frame, out-of-frame) is uncertain, but it is likely to impact the triple helix domain in this region of the gene. To our knowledge, this variant has not been reported in the literature or in a large population database (gnomAD), indicating this variant is rare.  This variant is interpreted as likely pathogenic.